The following is an entry in ClinVar:

NM_001017995.3(SH3PXD2B):c.2227G>A (p.Val743Met)

Gene: SH3PXD2B (SH3 and PX domains 2B; minus strand). Cytogenetic location: 5q35.1.
Variant type: single nucleotide variant.
Coding change: c.2227G>A on transcript NM_001017995.3 (MANE Select); coding-DNA position 2227, G replaced by A.
Protein change: p.Val743Met; replaces valine 743 with methionine.
Molecular consequence: missense variant. On other transcripts: intron variant (1).
Genome position (GRCh38, 1-based): chr5:172,338,878, C>T on the plus strand (G>A on the coding strand, the complement: SH3PXD2B is on the minus strand). VCF-style: chr5-172338878-C-T. GRCh37 (hg19) VCF-style: chr5-171765882-C-T.
Other names: c.1188+7258G>A (NM_001308175.2); short protein forms V743M.
Identifiers: ClinVar variation 352803 (VCV000352803.42), dbSNP rs141103005, ClinGen allele CA3561014.

ClinVar aggregate classification (germline): Likely benign. Review status: criteria provided, multiple submitters, no conflicts (2 of 4 stars). 9 submissions from 9 submitters: Likely benign (6). 3 of the submissions do not count toward it. Last evaluated 2026-01-19.

Conditions:
SH3PXD2B-related disorder. Also called: SH3PXD2B-related condition.
Frank-Ter Haar syndrome. Also called: BORRONE DERMATOCARDIOSKELETAL SYNDROME; TER HAAR SYNDROME; MELNICK-NEEDLES SYNDROME, AUTOSOMAL RECESSIVE; Borrone di Rocco Crovato syndrome. Identifiers: Orphanet 1266, Orphanet 137834, MedGen C1855305, MONDO:0009579, OMIM 249420.

Allele frequency attached by ClinVar (database versions not stated): gnomAD 0.00074 and 0.00090; TOPMed 0.00093; ESP Exome Variant Server 0.00100; ExAC 0.00125; gnomAD exomes 0.00135; 1000 Genomes Project 0.00240; 1000 Genomes Project 30x 0.00312.

Submissions (9):

Labcorp Genetics (formerly Invitae), Labcorp
Classification: Likely benign. Last evaluated: 2026-01-19. Review status: criteria provided, single submitter. Criteria: Invitae Variant Classification Sherloc (09022015). Collection method: clinical testing. Allele origin: germline.

CeGaT Center for Human Genetics Tuebingen
Classification: Likely benign. Last evaluated: 2025-10-01. Review status: criteria provided, single submitter. Criteria: CeGaT Center For Human Genetics Tuebingen Variant Classification Criteria Version 2. Collection method: clinical testing. Allele origin: germline. Affected: yes. Observed: 4 variant alleles.
Comment: SH3PXD2B: BP4

Blueprint Genetics
Classification: Likely benign. Last evaluated: 2024-11-26. Review status: criteria provided, single submitter. Criteria: ACMG Guidelines, 2015. Collection method: clinical testing. Allele origin: germline.

Women's Health and Genetics/Laboratory Corporation of America, LabCorp
Classification: Likely benign. Last evaluated: 2023-06-13. Review status: criteria provided, single submitter. Criteria: LabCorp Variant Classification Summary - May 2015. Collection method: clinical testing. Allele origin: germline.
Comment: Variant summary: SH3PXD2B c.2227G>A (p.Val743Met) results in a conservative amino acid change in the encoded protein sequence. Five of five in-silico tools predict a benign effect of the variant on protein function. The variant allele was found at a frequency of 0.0013 in 250864 control chromosomes in the gnomAD database, including 1 homozygote, suggesting the variant is likely a benign polymorphism. To our knowledge, no occurrence of c.2227G>A in individuals affected with Frank-Ter Haar Syndrome and no experimental evidence demonstrating its impact on protein function have been reported. Two clinical diagnostic laboratories have submitted clinical-significance assessments for this variant to ClinVar after 2014 without evidence for independent evaluation and both classified the variant as likely benign. Based on the evidence outlined above, the variant was classified as likely benign.

Illumina Laboratory Services, Illumina
Classification: Likely benign for Frank-Ter Haar syndrome. Last evaluated: 2018-01-13. Review status: criteria provided, single submitter. Criteria: ICSL Variant Classification Criteria 13 December 2019. Collection method: clinical testing. Allele origin: germline.
Comment: This variant was observed in the ICSL laboratory as part of a predisposition screen in an ostensibly healthy population. It had not been previously curated by ICSL or reported in the Human Gene Mutation Database (HGMD: prior to June 1st, 2018), and was therefore a candidate for classification through an automated scoring system. Utilizing variant allele frequency, disease prevalence and penetrance estimates, and inheritance mode, an automated score was calculated to assess if this variant is too frequent to cause the disease. Based on the score and internal cut-off values, a variant classified as likely benign is not then subjected to further curation. The score for this variant resulted in a classification of likely benign for this disease.

Breakthrough Genomics
Classification: Likely benign. Review status: criteria provided, single submitter. Criteria: ACMG Guidelines, 2015. Collection method: not provided. Allele origin: germline. Inheritance: Autosomal recessive inheritance. Affected: yes.

PreventionGenetics, part of Exact Sciences
Classification: Likely benign for SH3PXD2B-related condition. Last evaluated: 2023-04-13. Review status: no assertion criteria provided. Collection method: clinical testing. Allele origin: germline. Not counted in ClinVar's aggregate classification.
Comment: This variant is classified as likely benign based on ACMG/AMP sequence variant interpretation guidelines (Richards et al. 2015 PMID: 25741868, with internal and published modifications).

Clinical Genetics DNA and cytogenetics Diagnostics Lab, Erasmus MC, Erasmus Medical Center
Classification: Likely benign. Review status: no assertion criteria provided. Collection method: clinical testing. Allele origin: germline. Affected: yes. Study: VKGL Data-share Consensus. Not counted in ClinVar's aggregate classification.

Laboratory of Diagnostic Genome Analysis, Leiden University Medical Center (LUMC)
Classification: Likely benign. Review status: no assertion criteria provided. Collection method: clinical testing. Allele origin: germline. Affected: yes. Study: VKGL Data-share Consensus. Not counted in ClinVar's aggregate classification.